The following is an entry in ClinVar:

ClinVar aggregate classification (germline): Uncertain significance (1 of 4 stars; one submission).

Conditions:
Cryopyrin associated periodic syndrome (CAPS). Identifiers: Orphanet 208650, MedGen C2316212, MONDO:0016168.

Allele frequency attached by ClinVar (database versions not stated): gnomAD exomes below 0.00001; TOPMed below 0.00001.
gnomAD v4.1: 1 of 1,614,110 alleles (0.000062%); highest among the groups gnomAD compares: Admixed American, 0.0017%; no homozygotes.

Submission:

Labcorp Genetics (formerly Invitae), Labcorp
Classification: Uncertain significance for Cryopyrin associated periodic syndrome. Last evaluated: 2024-08-19. Review status: criteria provided, single submitter. Criteria: Invitae Variant Classification Sherloc (09022015). Collection method: clinical testing. Allele origin: germline.
Comment: This sequence change replaces aspartic acid, which is acidic and polar, with histidine, which is basic and polar, at codon 302 of the NLRP3 protein (p.Asp302His). This variant is not present in population databases (gnomAD no frequency). This variant has not been reported in the literature in individuals affected with NLRP3-related conditions. ClinVar contains an entry for this variant (Variation ID: 943848). Invitae Evidence Modeling of protein sequence and biophysical properties (such as structural, functional, and spatial information, amino acid conservation, physicochemical variation, residue mobility, and thermodynamic stability) indicates that this missense variant is expected to disrupt NLRP3 protein function with a positive predictive value of 95%. In summary, the available evidence is currently insufficient to determine the role of this variant in disease. Therefore, it has been classified as a Variant of Uncertain Significance.

NM_001243133.2(NLRP3):c.898G>C (p.Asp300His)

Gene: NLRP3 (NLR family pyrin domain containing 3; plus strand). Cytogenetic location: 1q44.
Variant type: single nucleotide variant.
Coding change: c.898G>C on transcript NM_001243133.2 (MANE Select); coding-DNA position 898, G replaced by C.
Protein change: p.Asp300His; replaces aspartic acid 300 with histidine.
Molecular consequence: missense variant.
Genome position (GRCh38, 1-based): chr1:247,424,347, G>C. VCF-style: chr1-247424347-G-C. GRCh37 (hg19) VCF-style: chr1-247587649-G-C.
Other names: c.898G>C, p.Asp300His (NM_001079821.3, NM_001127461.3, NM_001127462.3 and 1 more transcripts); c.904G>C, p.Asp302His (NM_004895.5); short protein forms D300H, D302H.
Identifiers: ClinVar variation 943848 (VCV000943848.9), dbSNP rs1662700271, ClinGen allele CA345555671.